The following is an entry in ClinVar:

ClinVar aggregate classification (germline): Pathogenic. Review status: criteria provided, multiple submitters, no conflicts (2 of 4 stars). 2 submissions from 2 submitters: Pathogenic (2). Last evaluated 2024-03-03.

Conditions:
Camptomelic dysplasia (CMPD). Also called: CMPD1/SRA1; Campomelic Dysplasia. Identifiers: Orphanet 140, MedGen C1861922, MONDO:0007251, OMIM 114290.

Submissions (2):

Labcorp Genetics (formerly Invitae), Labcorp
Classification: Pathogenic for Camptomelic dysplasia. Last evaluated: 2024-03-03. Review status: criteria provided, single submitter. Criteria: Invitae Variant Classification Sherloc (09022015). Collection method: clinical testing. Allele origin: germline.
Comment: This sequence change replaces proline, which is neutral and non-polar, with arginine, which is basic and polar, at codon 170 of the SOX9 protein (p.Pro170Arg). This variant is not present in population databases (gnomAD no frequency). This missense change has been observed in individual(s) with campomelic dysplasia (PMID: 9002675). In at least one individual the variant was observed to be de novo. Advanced modeling of protein sequence and biophysical properties (such as structural, functional, and spatial information, amino acid conservation, physicochemical variation, residue mobility, and thermodynamic stability) performed at Invitae indicates that this missense variant is expected to disrupt SOX9 protein function with a positive predictive value of 80%. Experimental studies have shown that this missense change affects SOX9 function (PMID: 9002675). This variant disrupts the p.Por170 amino acid residue in SOX9. Other variant(s) that disrupt this residue have been determined to be pathogenic (PMID: 34092239). This suggests that this residue is clinically significant, and that variants that disrupt this residue are likely to be disease-causing. For these reasons, this variant has been classified as Pathogenic.

GeneDx
Classification: Pathogenic. Last evaluated: 2024-01-16. Review status: criteria provided, single submitter. Criteria: GeneDx Variant Classification Process June 2021. Collection method: clinical testing. Allele origin: germline. Affected: yes.
Comment: Not observed at significant frequency in large population cohorts (gnomAD); In silico analysis supports that this missense variant has a deleterious effect on protein structure/function; This variant is associated with the following publications: (PMID: 9002675, 34073089, 28965976)

Literature cited by the submitters: PubMed 9002675 (cited by Labcorp Genetics (formerly Invitae), Labcorp); PubMed 34092239 (cited by Labcorp Genetics (formerly Invitae), Labcorp).

NM_000346.4(SOX9):c.509C>G (p.Pro170Arg)

Gene: SOX9 (SRY-box transcription factor 9; plus strand). Cytogenetic location: 17q24.3.
Variant type: single nucleotide variant.
Coding change: c.509C>G on transcript NM_000346.4 (MANE Select); coding-DNA position 509, C replaced by G.
Protein change: p.Pro170Arg; replaces proline 170 with arginine.
Molecular consequence: missense variant.
Genome position (GRCh38, 1-based): chr17:72,122,796, C>G. VCF-style: chr17-72122796-C-G. GRCh37 (hg19) VCF-style: chr17-70118937-C-G.
Other names: short protein forms P170R.
Identifiers: ClinVar variation 3252744 (VCV003252744.3), dbSNP rs1131691554.